The following is an entry in ClinVar:

NM_000051.4(ATM):c.5920A>C (p.Ser1974Arg)

Genes: ATM (ATM serine/threonine kinase; plus strand), C11orf65 (chromosome 11 open reading frame 65; minus strand). Cytogenetic location: 11q22.3.
Variant type: single nucleotide variant.
Coding change: c.5920A>C on transcript NM_000051.4 (MANE Select); coding-DNA position 5920, A replaced by C.
Protein change: p.Ser1974Arg; replaces serine 1974 with arginine.
Molecular consequence: missense variant. On other transcripts: intron variant (2).
Genome position (GRCh38, 1-based): chr11:108,312,412, A>C. VCF-style: chr11-108312412-A-C. GRCh37 (hg19) VCF-style: chr11-108183139-A-C.
Other names: c.5920A>C, p.Ser1974Arg (NM_001351834.2); c.641-3341T>G (NM_001330368.2); c.*39-3341T>G (NM_001351110.2); short protein forms S1974R.
Identifiers: ClinVar variation 3803116 (VCV003803116.1).
Genomic context (GRCh38, chr11:108,312,412, plus strand): 5'-TATTCAGGAGCTTCCAAATAGTATGTTCTCATTAAAAGAGGTGTTCTTGTGACAAACAGA[A>C]GTCTTGCATTTGAAGAAGGAAGCCAGAGTACAACTATTTCTAGCTTGAGTGAAAAAAGTA-3'
Protein context (NP_000042.3, residues 1964-1984): KKSMDDQEKR[Ser1974Arg]LAFEEGSQST

ClinVar aggregate classification (germline): Uncertain significance (1 of 4 stars; one submission).

Conditions:
Hereditary cancer-predisposing syndrome. Also called: Neoplastic Syndromes, Hereditary; Tumor predisposition; Hereditary Cancer Syndrome; Hereditary neoplastic syndrome. Identifiers: Orphanet 140162, MedGen C0027672, MeSH D009386, MONDO:0015356.

Submission:

Ambry Genetics
Classification: Uncertain significance for Hereditary cancer-predisposing syndrome. Last evaluated: 2025-03-05. Review status: criteria provided, single submitter. Criteria: Ambry Variant Classification Scheme 2023. Collection method: clinical testing. Allele origin: germline.
Comment: The p.S1974R variant (also known as c.5920A>C), located in coding exon 39 of the ATM gene, results from an A to C substitution at nucleotide position 5920. The serine at codon 1974 is replaced by arginine, an amino acid with dissimilar properties. This amino acid position is conserved. In addition, this alteration is predicted to be tolerated by in silico analysis. Based on the available evidence, the clinical significance of this variant remains unclear.